The following is an entry in ClinVar:

ClinVar aggregate classification (germline): Conflicting classifications of pathogenicity. Review status: criteria provided, conflicting classifications (1 of 4 stars). 2 submissions from 2 submitters: Likely pathogenic (1); Uncertain significance (1). Last evaluated 2023-12-04.

Conditions:
Hereditary pancreatitis (PCTT). Also called: PRSS1-Related Hereditary Pancreatitis; Hereditary chronic pancreatitis. Identifiers: Orphanet 676, MedGen C0238339, MONDO:0008185, OMIM 167800.

Submissions (2):

Labcorp Genetics (formerly Invitae), Labcorp
Classification: Uncertain significance for Hereditary pancreatitis. Last evaluated: 2023-12-04. Review status: criteria provided, single submitter. Criteria: Invitae Variant Classification Sherloc (09022015). Collection method: clinical testing. Allele origin: germline.
Comment: This sequence change affects an acceptor splice site in intron 3 of the CTRC gene. It is expected to disrupt RNA splicing. Variants that disrupt the donor or acceptor splice site typically lead to a loss of protein function (PMID: 16199547), however the current clinical and genetic evidence is not sufficient to establish whether loss-of-function variants in CTRC cause disease. This variant is not present in population databases (gnomAD no frequency). This variant has not been reported in the literature in individuals affected with CTRC-related conditions. ClinVar contains an entry for this variant (Variation ID: 811847). Algorithms developed to predict the effect of sequence changes on RNA splicing suggest that this variant may disrupt the consensus splice site. In summary, the available evidence is currently insufficient to determine the role of this variant in disease. Therefore, it has been classified as a Variant of Uncertain Significance.

ARUP Laboratories, Molecular Genetics and Genomics, ARUP Laboratories
Classification: Likely pathogenic for Hereditary pancreatitis. Last evaluated: 2018-12-06. Review status: criteria provided, single submitter. Criteria: ARUP Molecular Germline Variant Investigation Process. Collection method: clinical testing. Allele origin: germline.
Comment: The CTRC c.231-2A>G variant, to our knowledge, is not reported in the medical literature or gene specific databases. This variant is also absent from general population databases (1000 Genomes Project, Exome Variant Server, and Genome Aggregation Database), indicating it is not a common polymorphism. This variant disrupts the canonical splice acceptor site of intron 3, which is likely to disrupt gene function. Based on available information, the c.231-2A>G variant is considered to be likely pathogenic.

Literature cited by the submitters: PubMed 16199547 (cited by Labcorp Genetics (formerly Invitae), Labcorp).

NM_007272.3(CTRC):c.231-2A>G

Gene: CTRC (chymotrypsin C; plus strand). Cytogenetic location: 1p36.21.
Variant type: single nucleotide variant.
Coding change: c.231-2A>G on transcript NM_007272.3 (MANE Select); the canonical splice acceptor site of the intron before coding-DNA position 231, A replaced by G.
Molecular consequence: splice acceptor variant.
Genome position (GRCh38, 1-based): chr1:15,442,445, A>G. VCF-style: chr1-15442445-A-G. GRCh37 (hg19) VCF-style: chr1-15768941-A-G.
Identifiers: ClinVar variation 811847 (VCV000811847.11), dbSNP rs1570783505, ClinGen allele CA338565211.